The following is an entry in ClinVar:

NM_013275.6(ANKRD11):c.6850G>T (p.Ala2284Ser)

Gene: ANKRD11 (ankyrin repeat domain 11; minus strand). Cytogenetic location: 16q24.3.
Variant type: single nucleotide variant.
Coding change: c.6850G>T on transcript NM_013275.6 (MANE Select); coding-DNA position 6850, G replaced by T.
Protein change: p.Ala2284Ser; replaces alanine 2284 with serine.
Molecular consequence: missense variant.
Genome position (GRCh38, 1-based): chr16:89,279,692, C>A on the plus strand (G>T on the coding strand, the complement: ANKRD11 is on the minus strand). VCF-style: chr16-89279692-C-A. GRCh37 (hg19) VCF-style: chr16-89346100-C-A.
Other names: c.6850G>T, p.Ala2284Ser (NM_001256182.2, NM_001256183.2); short protein forms A2284S.
Identifiers: ClinVar variation 2999691 (VCV002999691.3), dbSNP rs2544220323, ClinGen allele CA397149845.

ClinVar aggregate classification (germline): Uncertain significance (1 of 4 stars; one submission).

Conditions:
KBG syndrome (KBGS). Also called: ANKRD11-Related KBG Syndrome. Identifiers: Orphanet 2332, MedGen C0220687, MONDO:0007846, OMIM 148050.

Submission:

Labcorp Genetics (formerly Invitae), Labcorp
Classification: Uncertain significance for KBG syndrome. Last evaluated: 2023-07-14. Review status: criteria provided, single submitter. Criteria: Invitae Variant Classification Sherloc (09022015). Collection method: clinical testing. Allele origin: germline.
Comment: In summary, the available evidence is currently insufficient to determine the role of this variant in disease. Therefore, it has been classified as a Variant of Uncertain Significance. Advanced modeling of protein sequence and biophysical properties (such as structural, functional, and spatial information, amino acid conservation, physicochemical variation, residue mobility, and thermodynamic stability) performed at Invitae indicates that this missense variant is not expected to disrupt ANKRD11 protein function. This variant has not been reported in the literature in individuals affected with ANKRD11-related conditions. This variant is not present in population databases (gnomAD no frequency). This sequence change replaces alanine, which is neutral and non-polar, with serine, which is neutral and polar, at codon 2284 of the ANKRD11 protein (p.Ala2284Ser).